The following is an entry in ClinVar:

ClinVar aggregate classification (germline): Uncertain significance (1 of 4 stars; one submission).

Submission:

Labcorp Genetics (formerly Invitae), Labcorp
Classification: Uncertain significance. Last evaluated: 2023-08-02. Review status: criteria provided, single submitter. Criteria: Invitae Variant Classification Sherloc (09022015). Collection method: clinical testing. Allele origin: unknown.
Comment: In summary, the available evidence is currently insufficient to determine the role of this variant in disease. Therefore, it has been classified as a Variant of Uncertain Significance. Experimental studies and prediction algorithms are not available or were not evaluated, and the functional significance of this variant is currently unknown. This variant has not been reported in the literature in individuals affected with CHD8-related conditions. This variant results in a copy number gain of the genomic region encompassing exon(s) 37 of the CHD8 gene. This region includes the termination codon of the gene. This copy number gain extends beyond the assayed region for this gene and therefore may encompass additional genes. As the precise location of this event is unknown, it may be in tandem or it may be located elsewhere in the genome.

NC_000014.8:g.(?_21853772)_(21854355_?)dup

Gene: CHD8 (chromodomain helicase DNA binding protein 8; minus strand). Cytogenetic location: 14q11.2.
Variant type: Duplication.
Identifiers: ClinVar variation 3244071 (VCV003244071.1).